The following is an entry in ClinVar:

ClinVar aggregate classification (germline): Pathogenic (1 of 4 stars; one submission).

Submission:

CeGaT Center for Human Genetics Tuebingen
Classification: Pathogenic. Last evaluated: 2024-12-01. Review status: criteria provided, single submitter. Criteria: CeGaT Center For Human Genetics Tuebingen Variant Classification Criteria Version 2. Collection method: clinical testing. Allele origin: germline. Affected: yes. Observed: 1 variant allele.
Comment: KANSL1: PVS1, PM2

NM_015443.4(KANSL1):c.1629del (p.Arg543fs)

Gene: KANSL1 (KAT8 regulatory NSL complex subunit 1). Cytogenetic location: 17q21.31.
Variant type: Deletion.
Coding change: c.1629del on transcript NM_015443.4 (MANE Select); coding-DNA position 1629, one base deleted.
Protein change: p.Arg543fs; shifts the reading frame from arginine 543.
Molecular consequence: frameshift variant.
Genome position: GRCh38 VCF-style: chr17-46067571-GT-G. GRCh37 (hg19) VCF-style: chr17-44144937-GT-G.
Other names: c.1629del, p.Arg543fs (NM_001193465.2, NM_001193466.2, NM_001379198.1 and 14 more transcripts); c.1527del, p.Arg509fs (NM_001405859.1, NM_001405860.1, NM_001405861.1 and 1 more transcripts); c.363del, p.Arg121fs (NM_001405882.1, NM_001405883.1, NM_001405884.1 and 1 more transcripts); short protein forms R121fs, R509fs, R543fs.
Identifiers: ClinVar variation 3772138 (VCV003772138.13).
Genomic context (GRCh38, chr17:46,067,571, plus strand): 5'-GTCTACTAAGTGTAGGAAGTAGAAGAGCTAAAACTTACGTGTTAATAACTCCATTGACAG[GT>G]CTGAGTGCTCCACATGATTTGGTAGACAGTGACTCTGAAATATGACCAATAATAGGGGCA-3'